The following is an entry in ClinVar:

NM_005159.5(ACTC1):c.385T>C (p.Phe129Leu)

Genes: GJD2-DT (GJD2 divergent transcript; plus strand), ACTC1 (actin alpha cardiac muscle 1; minus strand). Cytogenetic location: 15q14.
Variant type: single nucleotide variant.
Coding change: c.385T>C on transcript NM_005159.5 (MANE Select); coding-DNA position 385, T replaced by C.
Protein change: p.Phe129Leu; replaces phenylalanine 129 with leucine.
Molecular consequence: missense variant. On other transcripts: 5 prime UTR variant (1).
Genome position (GRCh38, 1-based): chr15:34,793,314, A>G on the plus strand (T>C on the coding strand, the complement: ACTC1 is on the minus strand). VCF-style: chr15-34793314-A-G. GRCh37 (hg19) VCF-style: chr15-35085515-A-G.
Other names: c.385T>C, p.Phe129Leu (NM_001406482.1, NM_001406483.1); c.250T>C, p.Phe84Leu (NM_001406484.1); c.-4T>C (NM_001406485.1); short protein forms F129L, F84L.
Identifiers: ClinVar variation 4758748 (VCV004758748.1).

ClinVar aggregate classification (germline): Uncertain significance (1 of 4 stars; one submission).

Conditions:
Cardiomyopathy (CMYO). Also called: Cardiomyopathies. Identifiers: Orphanet 167848, MedGen C0878544, MONDO:0004994, HP:0001638. Inheritance: Various modes of inheritance.

Submission:

Color Diagnostics, LLC DBA Color Health
Classification: Uncertain significance for Cardiomyopathy. Last evaluated: 2025-05-25. Review status: criteria provided, single submitter. Criteria: ACMG Guidelines, 2015. Collection method: clinical testing. Allele origin: germline.
Comment: This missense variant replaces phenylalanine with leucine at codon 129 of the ACTC1 protein. Computational prediction suggests that this variant may have deleterious impact on protein structure and function. To our knowledge, functional studies have not been reported for this variant. This variant has not been reported in individuals affected with ACTC1-related disorders in the literature. This variant has not been identified in the general population by the Genome Aggregation Database (gnomAD). The available evidence is insufficient to determine the role of this variant in disease conclusively. Therefore, this variant is classified as a Variant of Uncertain Significance.